The following is an entry in ClinVar:

NM_000528.4(MAN2B1):c.1687G>T (p.Glu563Ter)

Gene: MAN2B1 (mannosidase alpha class 2B member 1; minus strand). Cytogenetic location: 19p13.13.
Variant type: single nucleotide variant.
Coding change: c.1687G>T on transcript NM_000528.4 (MANE Select); coding-DNA position 1687, G replaced by T.
Protein change: p.Glu563Ter; replaces glutamic acid 563 with a stop codon.
Molecular consequence: nonsense.
Genome position (GRCh38, 1-based): chr19:12,655,837, C>A on the plus strand (G>T on the coding strand, the complement: MAN2B1 is on the minus strand). VCF-style: chr19-12655837-C-A. GRCh37 (hg19) VCF-style: chr19-12766651-C-A.
Other names: c.1684G>T, p.Glu562Ter (NM_001173498.2); short protein forms E563*, E562*.
Identifiers: ClinVar variation 370997 (VCV000370997.18), dbSNP rs1057516927, ClinGen allele CA16041949.

ClinVar aggregate classification (germline): Pathogenic. Review status: criteria provided, multiple submitters, no conflicts (2 of 4 stars). 6 submissions from 6 submitters: Pathogenic (5). 1 of the submissions does not count toward it. Last evaluated 2026-01-07.

Conditions:
Deficiency of alpha-mannosidase (MANSA). Also called: Alpha-Mannosidosis; Mannosidosis, alpha-, types I and II; LYSOSOMAL ALPHA-D-MANNOSIDASE DEFICIENCY. Identifiers: Orphanet 61, MedGen C0024748, MONDO:0009561, OMIM 248500.

Allele frequency attached by ClinVar (database versions not stated): gnomAD exomes below 0.00001; gnomAD 0.00001; TOPMed 0.00001.
gnomAD v4.1: 2 of 1,613,708 alleles (0.00012%); highest among the groups gnomAD compares: Admixed American, 0.0033%; no homozygotes.

Submissions (6):

Natera, Inc.
Classification: Pathogenic for Alpha-mannosidosis. Last evaluated: 2026-01-07. Review status: criteria provided, single submitter. Criteria: Natera Variant Classification Schema (03/2026). Collection method: clinical testing. Allele origin: germline.
Comment: The c.1687G>T variant in MAN2B1 is a nonsense variant predicted to introduce a stop codon at amino acid 563. This variant is expected to result in nonsense mediated decay, truncation, or a dysfunctional protein product. This variant is rare in the general population with a frequency below the threshold expected for the associated phenotype(s). This variant has been observed in one or more individuals affected with the associated recessive disease, as either homozygous or compound heterozygous with a second variant (PMID: 9915946). Additionally, this variant has been observed to segregate in affected family members (PMID: 17979865). Given the available evidence, this variant is classified as Pathogenic.

Labcorp Genetics (formerly Invitae), Labcorp
Classification: Pathogenic for Deficiency of alpha-mannosidase. Last evaluated: 2024-05-29. Review status: criteria provided, single submitter. Criteria: Invitae Variant Classification Sherloc (09022015). Collection method: clinical testing. Allele origin: germline.
Comment: This sequence change creates a premature translational stop signal (p.Glu563*) in the MAN2B1 gene. It is expected to result in an absent or disrupted protein product. Loss-of-function variants in MAN2B1 are known to be pathogenic (PMID: 9915946, 22161967). This variant is present in population databases (no rsID available, gnomAD 0.003%). This premature translational stop signal has been observed in individuals with alpha-mannosidosis (PMID: 9915946, 17979865). ClinVar contains an entry for this variant (Variation ID: 370997). Algorithms developed to predict the effect of sequence changes on RNA splicing suggest that this variant may disrupt the consensus splice site. For these reasons, this variant has been classified as Pathogenic.

Baylor Genetics
Classification: Pathogenic for Deficiency of alpha-mannosidase. Last evaluated: 2023-04-25. Review status: criteria provided, single submitter. Criteria: ACMG Guidelines, 2015. Collection method: clinical testing. Allele origin: unknown.

Women's Health and Genetics/Laboratory Corporation of America, LabCorp
Classification: Pathogenic for Deficiency of alpha-mannosidase. Last evaluated: 2022-08-22. Review status: criteria provided, single submitter. Criteria: LabCorp Variant Classification Summary - May 2015. Collection method: clinical testing. Allele origin: germline.
Comment: Variant summary: MAN2B1 c.1687G>T (p.Glu563X) results in a premature termination codon, predicted to cause a truncation of the encoded protein or absence of the protein due to nonsense mediated decay, which are commonly known mechanisms for disease. Truncations downstream of this position have been classified as pathogenic by our laboratory. The variant allele was found at a frequency of 4e-06 in 250910 control chromosomes. c.1687G>T has been reported in the literature in multiple individuals affected with Alpha-Mannosidosis (example, Berg_1999, Lyons_2007). These data indicate that the variant is very likely to be associated with disease. At least one publication reports experimental evidence evaluating an impact on protein function. The most pronounced variant effect results in <10% of normal lysosomal alpha-mannosidosis enzyme activity (Lyons_2007). Four clinical diagnostic laboratories have submitted clinical-significance assessments for this variant to ClinVar after 2014 without evidence for independent evaluation. All laboratories classified the variant as pathogenic/likely pathogenic. Based on the evidence outlined above, the variant was classified as pathogenic.

Genome-Nilou Lab
Classification: Pathogenic for Deficiency of alpha-mannosidase. Last evaluated: 2021-09-05. Review status: criteria provided, single submitter. Criteria: ACMG Guidelines, 2015. Collection method: clinical testing. Allele origin: germline. Affected: no.

Counsyl
Classification: Likely pathogenic for Deficiency of alpha-mannosidase. Last evaluated: 2016-06-01. Review status: no assertion criteria provided. Collection method: clinical testing. Allele origin: unknown. Not counted in ClinVar's aggregate classification.

Literature cited by the submitters: PubMed 9915946 (cited by 4 submitters); PubMed 17979865 (cited by 4 submitters); PubMed 22161967 (cited by Labcorp Genetics (formerly Invitae), Labcorp).